The following is an entry in ClinVar:

ClinVar aggregate classification (germline): Benign/Likely benign (0 of 4 stars; one submission).

Submission:

ISCA site 4
Classification: Benign/Likely benign. Last evaluated: 2012-09-21. Review status: no assertion criteria provided. Collection method: clinical testing. Allele origin: unknown. Affected: yes. Observed: 4 variant alleles. Clinical features observed: Developmental delay AND/OR other significant developmental or morphological phenotypes, Autism (HP:0000717), Encephalopathy (HP:0001298).
Comment: Likely benign (1), Benign (3)

Copy number variation identified through the course of routine clinical cytogenomic testing in postnatal populations, with clinical assertions as classified by the original submitter.

GRCh38/hg38 5p15.33(chr5:71798-116731)x3

Genes: PLEKHG4B (pleckstrin homology and RhoGEF domain containing G4B; plus strand), LOC123493256 (Sharpr-MPRA regulatory region 259; plus strand). Cytogenetic location: 5p15.33.
Variant type: copy number gain.
Change: copy number 3 (three copies instead of two) of chr5:71,798-116,731 (44.9 kb, GRCh38 coordinates, 1-based), cytogenetic band 5p15.33.
Identifiers: ClinVar variation 146817 (VCV000146817.2).